The following is an entry in ClinVar:

ClinVar aggregate classification (germline): Conflicting classifications of pathogenicity. Review status: criteria provided, conflicting classifications (1 of 4 stars). 3 submissions from 2 submitters: Uncertain significance (2); Benign (1). Last evaluated 2017-04-27.

Conditions:
Wolfram syndrome 1 (WFS1). Identifiers: Orphanet 3463, MedGen C4551693, MONDO:0009101, OMIM 222300.
WFS1-Related Spectrum Disorders.
Autosomal dominant nonsyndromic hearing loss 6 (LFSNHL). Also called: DEAFNESS, AUTOSOMAL DOMINANT 6; DEAFNESS, AUTOSOMAL DOMINANT 14; DEAFNESS, AUTOSOMAL DOMINANT 38; Autosomal dominant nonsyndromic deafness 6; DIDMOAD (Diabetes Insipidus, Diabetes Mellitus, Optic Atrophy, and Deafness). Identifiers: Orphanet 90635, MedGen C1833021, MONDO:0010963, OMIM 600965.

Allele frequency attached by ClinVar (database versions not stated): gnomAD exomes below 0.00001.

Submissions (3):

Illumina Laboratory Services, Illumina
Classification: Uncertain significance for Autosomal dominant nonsyndromic hearing loss 6. Last evaluated: 2017-04-27. Review status: criteria provided, single submitter. Criteria: ICSL Variant Classification Criteria 13 December 2019. Collection method: clinical testing. Allele origin: germline.

Illumina Laboratory Services, Illumina
Classification: Uncertain significance for WFS1-Related Spectrum Disorders. Last evaluated: 2017-04-27. Review status: criteria provided, single submitter. Criteria: ICSL Variant Classification Criteria 13 December 2019. Collection method: clinical testing. Allele origin: germline.

Clinical Genomics, Uppaluri K&H Personalized Medicine Clinic
Classification: Benign for Wolfram syndrome 1. Review status: criteria provided, single submitter. Criteria: K & H Uppaluri Personalized Medicine Clinic Variant Classification & Assertion Criteria_Updated V.1. Collection method: research. Allele origin: unknown. Inheritance: Autosomal recessive inheritance.
Comment: Potent mutations in WFS1 gene are associated with Wolfram's syndrome, an autosomal recessive condition, which cause diabetes mellitus, diabetes insipidus, deafness and optic atrophy. However no sufficient evidence is found to ascertain the role of this particular variant rs1267751619 in Wolfram's syndrome yet.

Literature cited by the submitters: PubMed 20738327 (cited by Clinical Genomics, Uppaluri K&H Personalized Medicine Clinic); PubMed 33879153 (cited by Clinical Genomics, Uppaluri K&H Personalized Medicine Clinic); PubMed 12955714 (cited by Clinical Genomics, Uppaluri K&H Personalized Medicine Clinic); PubMed 18060660 (cited by Clinical Genomics, Uppaluri K&H Personalized Medicine Clinic); PubMed 20301750 (cited by Clinical Genomics, Uppaluri K&H Personalized Medicine Clinic); PubMed 17603484 (cited by Clinical Genomics, Uppaluri K&H Personalized Medicine Clinic).

NM_006005.3(WFS1):c.1509C>T (p.Val503=)

Gene: WFS1 (wolframin ER transmembrane glycoprotein; plus strand). Cytogenetic location: 4p16.1.
Variant type: single nucleotide variant.
Coding change: c.1509C>T on transcript NM_006005.3 (MANE Select); coding-DNA position 1509, C replaced by T.
Protein change: p.Val503=; no amino-acid change (valine 503 retained).
Molecular consequence: synonymous variant.
Genome position (GRCh38, 1-based): chr4:6,301,304, C>T. VCF-style: chr4-6301304-C-T. GRCh37 (hg19) VCF-style: chr4-6303031-C-T.
Other names: c.1509C>T, p.Val503= (NM_001145853.1).
Identifiers: ClinVar variation 906522 (VCV000906522.5), dbSNP rs1267751619, ClinGen allele CA438368402.